The following is an entry in ClinVar:

NM_018979.4(WNK1):c.145G>C (p.Gly49Arg)

Gene: WNK1 (WNK lysine deficient protein kinase 1; plus strand). Cytogenetic location: 12p13.33.
Variant type: single nucleotide variant.
Coding change: c.145G>C on transcript NM_018979.4 (MANE Select); coding-DNA position 145, G replaced by C.
Protein change: p.Gly49Arg; replaces glycine 49 with arginine.
Molecular consequence: missense variant.
Genome position (GRCh38, 1-based): chr12:753,710, G>C. VCF-style: chr12-753710-G-C. GRCh37 (hg19) VCF-style: chr12-862876-G-C.
Other names: c.145G>C, p.Gly49Arg (NM_001184985.2, NM_014823.3, NM_213655.5); short protein forms G49R.
Identifiers: ClinVar variation 3756157 (VCV003756157.2).

ClinVar aggregate classification (germline): Uncertain significance (1 of 4 stars; one submission).

Conditions:
Neuropathy, hereditary sensory and autonomic, type 2A (HSAN2A). Also called: ACROOSTEOLYSIS, GIACCAI TYPE; ACROOSTEOLYSIS, NEUROGENIC; MORVAN DISEASE; NEUROPATHY, CONGENITAL SENSORY; NEUROPATHY, HEREDITARY SENSORY RADICULAR, AUTOSOMAL RECESSIVE; NEUROPATHY, HEREDITARY SENSORY, TYPE IIA. Identifiers: Orphanet 970, MedGen C2752089, MONDO:0024309, OMIM 201300.
Pseudohypoaldosteronism type 2C (PHA2C). Also called: Pseudohypoaldosteronism Type IIC. Identifiers: Orphanet 757, Orphanet 88940, MedGen C1840391, MONDO:0013778, OMIM 614492.

Submission:

Labcorp Genetics (formerly Invitae), Labcorp
Classification: Uncertain significance for Neuropathy, hereditary sensory and autonomic, type 2A; Pseudohypoaldosteronism type 2C. Last evaluated: 2024-05-25. Review status: criteria provided, single submitter. Criteria: Invitae Variant Classification Sherloc (09022015). Collection method: clinical testing. Allele origin: germline.
Comment: This sequence change replaces glycine, which is neutral and non-polar, with arginine, which is basic and polar, at codon 49 of the WNK1 protein (p.Gly49Arg). This variant is not present in population databases (gnomAD no frequency). This variant has not been reported in the literature in individuals affected with WNK1-related conditions. Advanced modeling of protein sequence and biophysical properties (such as structural, functional, and spatial information, amino acid conservation, physicochemical variation, residue mobility, and thermodynamic stability) performed at Invitae indicates that this missense variant is not expected to disrupt WNK1 protein function with a negative predictive value of 95%. In summary, the available evidence is currently insufficient to determine the role of this variant in disease. Therefore, it has been classified as a Variant of Uncertain Significance.